The following is an entry in ClinVar:

NM_004343.4(CALR):c.1133AGG[3] (p.Glu381del)

Gene: CALR (calreticulin; plus strand). Cytogenetic location: 19p13.13.
Variant type: Microsatellite.
Coding change: c.1133AGG[3] on transcript NM_004343.4 (MANE Select); three copies in a row of the 3-base unit AGG starting at c.1133; the reference has four copies in a row; one copy, 3 bases deleted; also written c.1142_1144del.
Protein change: p.Glu381del; deletes glutamic acid 381.
Genome position (GRCh38, 1-based): chr19:12,943,801-12,943,803, AGG deleted; deleting any 3 consecutive bases within chr19:12,943,791-12,943,803 gives the same sequence; the position shown is the placement nearest the transcript's 3' end. VCF-style (leftmost placement, unchanged base first): chr19-12943790-AGAG-A. GRCh37 (hg19) VCF-style: chr19-13054604-AGAG-A.
Other names: c.1142_1144del (NM_004343.4); short protein forms E381del.
Identifiers: ClinVar variation 5036701 (VCV005036701.1).

ClinVar aggregate classification (germline): Likely benign (1 of 4 stars; one submission).

Conditions:
Myeloproliferative neoplasm. Identifiers: Orphanet 98274, MedGen C1292778, MONDO:0020076.

Submission:

Dept of Medical Biology, Uskudar University
Classification: Likely benign for Myeloproliferative neoplasm. Last evaluated: 2026-09-23. Review status: criteria provided, single submitter. Criteria: Dept of Medical Biology Variant Classification. Collection method: research. Allele origin: germline. Affected: yes. Observed: 1 variant allele.
Comment: BS1: allele frequency 2.0e-03 in the Ashkenazi Jewish population and 1.4e-04 overall in gnomAD v4.1. BP3: in-frame deletion of one residue in the repetitive acidic region of exon 9; no frameshift, and the KDEL motif is retained. BS1 was applied at full strength where the gnomAD v4.1 grpmax filtering allele frequency exceeds 2.5e-04 (PMID:28518168) and at supporting strength where only the unfiltered population frequency does. Classified as likely benign under the ACMG/AMP 2015 guidelines (PMID:25741868). Detected in a retrospective series of 256 BCR::ABL1-negative and JAK2 V617F-negative patients referred for molecular investigation of a suspected myeloproliferative neoplasm (May 2007 to January 2015) and re-interpreted under the ACMG/AMP 2015 criteria.